The following is an entry in ClinVar:

ClinVar aggregate classification (germline): Uncertain significance. Review status: criteria provided, multiple submitters, no conflicts (2 of 4 stars). 3 submissions from 3 submitters: Uncertain significance (2). 1 of the submissions does not count toward it. Last evaluated 2025-03-19.

Conditions:
HUWE1-related disorder. Also called: HUWE1-related condition.
Inborn genetic diseases. Identifiers: MedGen C0950123, MeSH D030342.

Allele frequency attached by ClinVar (database versions not stated): TOPMed below 0.00001.
gnomAD v4.1: 2 of 1,209,217 alleles (0.00017%); highest among the groups gnomAD compares: Admixed American, 0.0043%; no homozygotes.

Submissions (3):

Women's Health and Genetics/Laboratory Corporation of America, LabCorp
Classification: Uncertain significance. Last evaluated: 2025-03-19. Review status: criteria provided, single submitter. Criteria: LabCorp Variant Classification Summary - May 2015. Collection method: clinical testing. Allele origin: germline.
Comment: Variant summary: HUWE1 c.8189C>T (p.Thr2730Ile) results in a non-conservative amino acid change in the encoded protein sequence. Three of five in-silico tools predict a benign effect of the variant on protein function. The variant allele was found at a frequency of 1.1e-05 in 183345 control chromosomes. The available data on variant occurrences in the general population are insufficient to allow any conclusion about variant significance. To our knowledge, no occurrence of c.8189C>T in individuals affected with Intellectual Disability, X-Linked Syndromic, Turner Type and no experimental evidence demonstrating its impact on protein function have been reported. ClinVar contains an entry for this variant (Variation ID: 1762332). Based on the evidence outlined above, the variant was classified as uncertain significance.

Ambry Genetics
Classification: Uncertain significance for Inborn genetic diseases. Last evaluated: 2019-05-02. Review status: criteria provided, single submitter. Criteria: Ambry Variant Classification Scheme 2023. Collection method: clinical testing. Allele origin: germline.
Comment: The p.T2730I variant (also known as c.8189C>T), located in coding exon 57 of the HUWE1 gene, results from a C to T substitution at nucleotide position 8189. The threonine at codon 2730 is replaced by isoleucine, an amino acid with similar properties. This amino acid position is not well conserved in available vertebrate species, and isoleucine is the reference amino acid in other vertebrate species. In addition, this alteration is predicted to be tolerated by in silico analysis. Since supporting evidence is limited at this time, the clinical significance of this alteration remains unclear.

PreventionGenetics, part of Exact Sciences
Classification: Uncertain significance for HUWE1-related condition. Last evaluated: 2024-06-16. Review status: no assertion criteria provided. Collection method: clinical testing. Allele origin: germline. Not counted in ClinVar's aggregate classification.
Comment: The HUWE1 c.8189C>T variant is predicted to result in the amino acid substitution p.Thr2730Ile. To our knowledge, this variant has not been reported in the literature. This variant is reported in 0.0073% of alleles in individuals of Latino descent in gnomAD, including one hemizygote from the control population. At this time, the clinical significance of this variant is uncertain due to the absence of conclusive functional and genetic evidence.

NM_031407.7(HUWE1):c.8189C>T (p.Thr2730Ile)

Gene: HUWE1 (HECT, UBA and WWE domain containing E3 ubiquitin protein ligase 1; minus strand). Cytogenetic location: Xp11.22.
Variant type: single nucleotide variant.
Coding change: c.8189C>T on transcript NM_031407.7 (MANE Select); coding-DNA position 8189, C replaced by T.
Protein change: p.Thr2730Ile; replaces threonine 2730 with isoleucine.
Molecular consequence: missense variant.
Genome position (GRCh38, 1-based): chrX:53,557,399, G>A on the plus strand (C>T on the coding strand, the complement: HUWE1 is on the minus strand). VCF-style: chrX-53557399-G-A. GRCh37 (hg19) VCF-style: chrX-53584360-G-A.
Other names: c.8189C>T (NM_031407.6); short protein forms T2730I.
Identifiers: ClinVar variation 1762332 (VCV001762332.4), dbSNP rs1556936105, ClinGen allele CA413150718.